The following is an entry in ClinVar:

NM_001042492.3(NF1):c.2070C>T (p.Ala690=)

Gene: NF1 (neurofibromin 1; plus strand). Cytogenetic location: 17q11.2.
Variant type: single nucleotide variant.
Coding change: c.2070C>T on transcript NM_001042492.3 (MANE Select); coding-DNA position 2070, C replaced by T.
Protein change: p.Ala690=; no amino-acid change (alanine 690 retained).
Molecular consequence: synonymous variant.
Genome position (GRCh38, 1-based): chr17:31,226,503, C>T. VCF-style: chr17-31226503-C-T. GRCh37 (hg19) VCF-style: chr17-29553521-C-T.
Other names: c.2070C>T, p.Ala690= (NM_000267.4).
Identifiers: ClinVar variation 1626446 (VCV001626446.10), dbSNP rs2151425696, ClinGen allele CA499443711.
Genomic context (GRCh38, chr17:31,226,503, plus strand): 5'-AGCAGGATGCAGCGGAACCCCCCCGATTTGCCGACAAGCCCAGACCAAACTAGAAGTGGC[C>T]CTGTACATGTTTCTGTGGAACCCTGACACTGAAGCTGTTCTGGTTGCCATGTCCTGTTTC-3'
Protein context (NP_001035957.1, residues 680-700): CRQAQTKLEV[Ala690=]LYMFLWNPDT

ClinVar aggregate classification (germline): Benign/Likely benign. Review status: criteria provided, multiple submitters, no conflicts (2 of 4 stars). 3 submissions from 3 submitters: Benign (1); Likely benign (2). Last evaluated 2026-05-15.

Conditions:
Cardiovascular phenotype. Identifiers: MedGen CN230736.
Hereditary cancer-predisposing syndrome. Also called: Neoplastic Syndromes, Hereditary; Tumor predisposition; Hereditary neoplastic syndrome; Hereditary Cancer Syndrome. Identifiers: Orphanet 140162, MedGen C0027672, MeSH D009386, MONDO:0015356.
Neurofibromatosis, type 1 (NF1). Also called: VON RECKLINGHAUSEN DISEASE; NEUROFIBROMATOSIS, TYPE I, SOMATIC; Neurofibromatosis, type I; Peripheral type neurofibromatosis. Identifiers: Orphanet 636, MedGen C0027831, MONDO:0018975, OMIM 162200. Disease mechanism: loss of function.

Submissions (3):

Myriad Genetics, Inc.
Classification: Benign for Neurofibromatosis, type 1. Last evaluated: 2026-05-15. Review status: criteria provided, single submitter. Criteria: Myriad Autosomal Dominant, Autosomal Recessive and X-Linked Classification Criteria (2023). Collection method: clinical testing. Allele origin: unknown.
Comment: This variant is considered benign. This variant is a silent/synonymous amino acid change and it is not expected to impact splicing.

Ambry Genetics
Classification: Likely benign for Cardiovascular phenotype; Hereditary cancer-predisposing syndrome. Last evaluated: 2023-03-27. Review status: criteria provided, single submitter. Criteria: Ambry Variant Classification Scheme 2023. Collection method: clinical testing. Allele origin: germline.

Labcorp Genetics (formerly Invitae), Labcorp
Classification: Likely benign for Neurofibromatosis, type 1. Last evaluated: 2021-06-24. Review status: criteria provided, single submitter. Criteria: Invitae Variant Classification Sherloc (09022015). Collection method: clinical testing. Allele origin: germline.